The following is an entry in ClinVar:

NM_024426.6(WT1):c.478C>A (p.Gln160Lys)

Genes: WT1 (WT1 transcription factor; minus strand), LOC107982234 (WT1/WT1-AS bi-directional promoter region; plus strand). Cytogenetic location: 11p13.
Variant type: single nucleotide variant.
Coding change: c.478C>A on transcript NM_024426.6 (MANE Select); coding-DNA position 478, C replaced by A.
Protein change: p.Gln160Lys; replaces glutamine 160 with lysine.
Molecular consequence: missense variant. On other transcripts: non-coding transcript variant (2).
Genome position (GRCh38, 1-based): chr11:32,434,883, G>T on the plus strand (C>A on the coding strand, the complement: WT1 is on the minus strand). VCF-style: chr11-32434883-G-T. GRCh37 (hg19) VCF-style: chr11-32456429-G-T.
Other names: c.478C>A, p.Gln160Lys (NM_000378.6, NM_001407044.1, NM_001407045.1 and 6 more transcripts); c.259C>A, p.Gln87Lys (NM_001429031.1, NM_001429032.1, NM_001429033.1 and 1 more transcripts); short protein forms Q160K, Q87K, Q155K.
Identifiers: ClinVar variation 4825391 (VCV004825391.1).
Genomic context (GRCh38, chr11:32,434,883, plus strand): 5'-AGGCTCCGGCTGTGCCAGTGAACTGGCCGGAAAAGTGGACAGTGAAGGCGCTCAGGCACT[G>T]CTCCTCGTGCGGCTCCGCGCCGCCCCAGCTCGGCTCCTGTTTGATGAAGGAGTGAGGCGG-3'
Protein context (NP_077744.4, residues 150-170): SWGGAEPHEE[Gln160Lys]CLSAFTVHFS

ClinVar aggregate classification (germline): Uncertain significance (1 of 4 stars; one submission).

Conditions:
Inborn genetic diseases. Identifiers: MedGen C0950123, MeSH D030342.

Submission:

Ambry Genetics
Classification: Uncertain significance for Inborn genetic diseases. Last evaluated: 2026-01-20. Review status: criteria provided, single submitter. Criteria: Ambry Variant Classification Scheme 2023. Collection method: clinical testing. Allele origin: germline.
Comment: The p.Q155K variant (also known as c.463C>A), located in coding exon 1 of the WT1 gene, results from a C to A substitution at nucleotide position 463. The glutamine at codon 155 is replaced by lysine, an amino acid with similar properties. This amino acid position is conserved. In addition, this alteration is predicted to be tolerated by in silico analysis. Based on the available evidence, the clinical significance of this variant remains unclear.